The following is an entry in ClinVar:

ClinVar aggregate classification (germline): Uncertain significance. Review status: criteria provided, multiple submitters, no conflicts (2 of 4 stars). 3 submissions from 3 submitters: Uncertain significance (3). Last evaluated 2025-02-06.

Conditions:
LZTR1-related disorder. Also called: LZTR1-related disorders; LZTR1-related condition.
Hereditary cancer-predisposing syndrome. Also called: Neoplastic Syndromes, Hereditary; Tumor predisposition; Hereditary Cancer Syndrome; Hereditary neoplastic syndrome. Identifiers: Orphanet 140162, MedGen C0027672, MeSH D009386, MONDO:0015356.
Cardiovascular phenotype. Identifiers: MedGen CN230736.

Allele frequency attached by ClinVar (database versions not stated): gnomAD exomes below 0.00001; TOPMed below 0.00001; gnomAD 0.00001.

Submissions (3):

Labcorp Genetics (formerly Invitae), Labcorp
Classification: Uncertain significance. Last evaluated: 2025-02-06. Review status: criteria provided, single submitter. Criteria: Invitae Variant Classification Sherloc (09022015). Collection method: clinical testing. Allele origin: germline.
Comment: This sequence change replaces proline, which is neutral and non-polar, with leucine, which is neutral and non-polar, at codon 746 of the LZTR1 protein (p.Pro746Leu). This variant is not present in population databases (gnomAD no frequency). This variant has not been reported in the literature in individuals affected with LZTR1-related conditions. ClinVar contains an entry for this variant (Variation ID: 1788208). Invitae Evidence Modeling of protein sequence and biophysical properties (such as structural, functional, and spatial information, amino acid conservation, physicochemical variation, residue mobility, and thermodynamic stability) indicates that this missense variant is not expected to disrupt LZTR1 protein function with a negative predictive value of 80%. In summary, the available evidence is currently insufficient to determine the role of this variant in disease. Therefore, it has been classified as a Variant of Uncertain Significance.

PreventionGenetics, part of Exact Sciences
Classification: Uncertain significance for LZTR1-related condition. Last evaluated: 2022-10-03. Review status: criteria provided, single submitter. Criteria: ACMG Guidelines, 2015. Collection method: clinical testing. Allele origin: germline.
Comment: The LZTR1 c.2237C>T variant is predicted to result in the amino acid substitution p.Pro746Leu. To our knowledge, this variant has not been reported in the literature or in a large population database, indicating this variant is rare. At this time, the clinical significance of this variant is uncertain due to the absence of conclusive functional and genetic evidence.

Ambry Genetics
Classification: Uncertain significance for Cardiovascular phenotype; Hereditary cancer-predisposing syndrome. Last evaluated: 2021-03-11. Review status: criteria provided, single submitter. Criteria: Ambry Variant Classification Scheme 2023. Collection method: clinical testing. Allele origin: germline.
Comment: The p.P746L variant (also known as c.2237C>T), located in coding exon 19 of the LZTR1 gene, results from a C to T substitution at nucleotide position 2237. The proline at codon 746 is replaced by leucine, an amino acid with similar properties. This amino acid position is highly conserved in available vertebrate species. In addition, this alteration is predicted to be deleterious by in silico analysis. Since supporting evidence is limited at this time, the clinical significance of this alteration remains unclear.

NM_006767.4(LZTR1):c.2237C>T (p.Pro746Leu)

Gene: LZTR1 (leucine zipper like post translational regulator 1; plus strand). Cytogenetic location: 22q11.21.
Variant type: single nucleotide variant.
Coding change: c.2237C>T on transcript NM_006767.4 (MANE Select); coding-DNA position 2237, C replaced by T.
Protein change: p.Pro746Leu; replaces proline 746 with leucine.
Molecular consequence: missense variant.
Genome position (GRCh38, 1-based): chr22:20,996,713, C>T. VCF-style: chr22-20996713-C-T. GRCh37 (hg19) VCF-style: chr22-21351002-C-T.
Other names: short protein forms P746L.
Identifiers: ClinVar variation 1788208 (VCV001788208.6), dbSNP rs1484781267, ClinGen allele CA410780759.